The following is an entry in ClinVar:

NM_005909.5(MAP1B):c.2676T>C (p.Pro892=)

Gene: MAP1B (microtubule associated protein 1B; plus strand). Cytogenetic location: 5q13.2.
Variant type: single nucleotide variant.
Coding change: c.2676T>C on transcript NM_005909.5 (MANE Select); coding-DNA position 2676, T replaced by C.
Protein change: p.Pro892=; no amino-acid change (proline 892 retained).
Molecular consequence: synonymous variant.
Genome position (GRCh38, 1-based): chr5:72,196,031, T>C. VCF-style: chr5-72196031-T-C. GRCh37 (hg19) VCF-style: chr5-71491858-T-C.
Other names: c.2298T>C, p.Pro766= (NM_001324255.2).
Identifiers: ClinVar variation 4681573 (VCV004681573.5).

ClinVar aggregate classification (germline): Likely benign (1 of 4 stars; one submission).

gnomAD v4.1: 39 of 1,614,168 alleles (0.0024%); highest among the groups gnomAD compares: South Asian, 0.026%; no homozygotes.

Submission:

CeGaT Center for Human Genetics Tuebingen
Classification: Likely benign. Last evaluated: 2025-12-01. Review status: criteria provided, single submitter. Criteria: CeGaT Center For Human Genetics Tuebingen Variant Classification Criteria Version 2. Collection method: clinical testing. Allele origin: germline. Affected: yes. Observed: 1 variant allele.
Comment: MAP1B: BP4, BP7